The following is an entry in ClinVar:

ClinVar aggregate classification (germline): Uncertain significance (1 of 4 stars; one submission).

Allele frequency attached by ClinVar (database versions not stated): gnomAD exomes below 0.00001.
gnomAD v4.1: 1 of 1,514,032 alleles (0.000066%); highest among the groups gnomAD compares: Non-Finnish European, 0.000091%; no homozygotes.

Submission:

Labcorp Genetics (formerly Invitae), Labcorp
Classification: Uncertain significance. Last evaluated: 2022-11-24. Review status: criteria provided, single submitter. Criteria: Invitae Variant Classification Sherloc (09022015). Collection method: clinical testing. Allele origin: germline.
Comment: In summary, the available evidence is currently insufficient to determine the role of this variant in disease. Therefore, it has been classified as a Variant of Uncertain Significance. Advanced modeling of protein sequence and biophysical properties (such as structural, functional, and spatial information, amino acid conservation, physicochemical variation, residue mobility, and thermodynamic stability) performed at Invitae indicates that this missense variant is not expected to disrupt AK7 protein function. This variant has not been reported in the literature in individuals affected with AK7-related conditions. This variant is not present in population databases (gnomAD no frequency). This sequence change replaces arginine, which is basic and polar, with serine, which is neutral and polar, at codon 462 of the AK7 protein (p.Arg462Ser).

NM_152327.5(AK7):c.1386A>T (p.Arg462Ser)

Gene: AK7 (adenylate kinase 7; plus strand). Cytogenetic location: 14q32.2.
Variant type: single nucleotide variant.
Coding change: c.1386A>T on transcript NM_152327.5 (MANE Select); coding-DNA position 1386, A replaced by T.
Protein change: p.Arg462Ser; replaces arginine 462 with serine.
Molecular consequence: missense variant. On other transcripts: intron variant (1).
Genome position (GRCh38, 1-based): chr14:96,471,506, A>T. VCF-style: chr14-96471506-A-T. GRCh37 (hg19) VCF-style: chr14-96937843-A-T.
Other names: c.1386A>T, p.Arg462Ser (NM_001350888.2, NM_001350890.2); c.1308A>T, p.Arg436Ser (NM_001350891.2); c.1358-6959A>T (NM_001350892.2); short protein forms R436S, R462S.
Identifiers: ClinVar variation 2874104 (VCV002874104.3), dbSNP rs1894885868, ClinGen allele CA390919957.